The following is an entry in ClinVar:

Conditions:
Breast-ovarian cancer, familial, susceptibility to, 1 (BROVCA1). Also called: BRCA1 Hereditary Breast and Ovarian Cancer; OVARIAN CANCER, SUSCEPTIBILITY TO. Identifiers: Orphanet 145, MedGen C2676676, MONDO:0011450, OMIM 604370. Disease mechanism: loss of function.

Submission:

Brotman Baty Institute, University of Washington
No classification provided (evidence only). Condition: Breast-ovarian cancer, familial 1. Review status: no classification provided. Collection method: in vitro. Allele origin: not applicable. Functional consequence: functionally_normal.
ClinVar note: "not provided" was previously submitted as the classification for the variant. However, the classification appeared to be based only on an observation of functional data so it was converted to no classification on 2025-07-30.

NM_007294.4(BRCA1):c.5403C>T (p.Gly1801=)

Gene: BRCA1 (BRCA1 DNA repair associated; minus strand). Cytogenetic location: 17q21.31.
Variant type: single nucleotide variant.
Coding change: c.5403C>T on transcript NM_007294.4 (MANE Select); coding-DNA position 5403, C replaced by T.
Protein change: p.Gly1801=; no amino-acid change (glycine 1801 retained).
Molecular consequence: synonymous variant. On other transcripts: intron variant (19).
Genome position (GRCh38, 1-based): chr17:43,049,124, G>A on the plus strand (C>T on the coding strand, the complement: BRCA1 is on the minus strand). VCF-style: chr17-43049124-G-A. GRCh37 (hg19) VCF-style: chr17-41201141-G-A.
Other names: c.5190C>T, p.Gly1730= (NM_001407571.1, NM_001407894.1, NM_001407895.1 and 12 more transcripts); c.5469C>T, p.Gly1823= (NM_001407581.1, NM_001407582.1); c.5466C>T, p.Gly1822= (NM_001407583.1, NM_001407585.1, NM_001407587.1 and 1 more transcripts); c.5463C>T, p.Gly1821= (NM_001407590.1, NM_001407591.1); c.5403C>T, p.Gly1801= (NM_001407593.1, NM_001407594.1, NM_001407596.1 and 5 more transcripts); c.5400C>T, p.Gly1800= (NM_001407610.1, NM_001407611.1, NM_001407612.1 and 14 more transcripts); c.5397C>T, p.Gly1799= (NM_001407627.1, NM_001407628.1, NM_001407629.1 and 13 more transcripts); c.5394C>T, p.Gly1798= (NM_001407644.1, NM_001407645.1); and 84 more.
Identifiers: ClinVar variation 865707 (VCV000865707.3), dbSNP rs2051072930, ClinGen allele CA500143276.
Genomic context (GRCh38, chr17:43,049,124, plus strand): 5'-TTGCTCACAGGAGAGAATATTGTGTCCTCCCTCTCTGACAGGGCACCCAATACTTACTGT[G>A]CCAAGGGTGAATGATGAAAGCTCCTTCACCACAGAAGCACCACACAGCTGTACCATCCAT-3'
Protein context (NP_009225.1, residues 1791-1811): VVKELSSFTL[Gly1801=]TGVHPIVVVQ